The following is an entry in ClinVar:

NM_000051.4(ATM):c.8599G>C (p.Gly2867Arg)

Genes: ATM (ATM serine/threonine kinase; plus strand), C11orf65 (chromosome 11 open reading frame 65; minus strand). Cytogenetic location: 11q22.3.
Variant type: single nucleotide variant.
Coding change: c.8599G>C on transcript NM_000051.4 (MANE Select); coding-DNA position 8599, G replaced by C.
Protein change: p.Gly2867Arg; replaces glycine 2867 with arginine.
Molecular consequence: missense variant. On other transcripts: intron variant (2).
Genome position (GRCh38, 1-based): chr11:108,347,293, G>C. VCF-style: chr11-108347293-G-C. GRCh37 (hg19) VCF-style: chr11-108218020-G-C.
Other names: NM_000051.4(ATM):c.8599G>C; p.Gly2867Arg; c.8599G>C, p.Gly2867Arg (NM_001351834.2); c.641-38222C>G (NM_001330368.2); c.695-12001C>G (NM_001351110.2); short protein forms G2867R.
Identifiers: ClinVar variation 1407049 (VCV001407049.15), dbSNP rs2137079086, ClinGen allele CA382520438.
Genomic context (GRCh38, chr11:108,347,293, plus strand): 5'-GAGATGGAATCAGTGATTTCAGATTGTTTGTTTCTTTTTTCTCCAGTTGGTTACATACTT[G>C]GACTTGGTGATAGACATGTACAGAATATCTTGATAAATGAGCAGTCAGCAGAACTTGTAC-3'
Protein context (NP_000042.3, residues 2857-2877): ATSSIVGYIL[Gly2867Arg]LGDRHVQNIL

ClinVar aggregate classification (germline): Uncertain significance. Review status: reviewed by expert panel (3 of 4 stars). 7 submissions from 7 submitters: Uncertain significance (1). 6 of the submissions do not count toward it. Last evaluated 2025-11-11.

Conditions:
ATM-related cancer predisposition. Also called: ATM-related cancer susceptibility. Identifiers: MedGen CN377759, MONDO:0700270.
Familial cancer of breast. Also called: BREAST CANCER, FAMILIAL; Hereditary breast cancer; hereditary breast carcinoma. Identifiers: Orphanet 227535, MedGen C0346153, MONDO:0016419, OMIM 114480. Disease mechanism: loss of function.
Ataxia-telangiectasia syndrome (AT). Also called: Ataxia-telangiectasia; LOUIS-BAR SYNDROME; Ataxia-telangiectasia, complementation group D; AT, COMPLEMENTATION GROUP C; ATAXIA-TELANGIECTASIA, COMPLEMENTATION GROUP A; ATAXIA-TELANGIECTASIA, FRESNO VARIANT. Identifiers: Orphanet 100, MedGen C0004135, MONDO:0008840, OMIM 208900.
Hereditary cancer-predisposing syndrome. Also called: Tumor predisposition; Neoplastic Syndromes, Hereditary; Hereditary Cancer Syndrome; Hereditary neoplastic syndrome. Identifiers: Orphanet 140162, MedGen C0027672, MeSH D009386, MONDO:0015356.

gnomAD v4.1: 1 of 1,609,992 alleles (0.000062%); highest among the groups gnomAD compares: Non-Finnish European, 0.000085%; no homozygotes.

Submissions (7):

ClinGen Hereditary Breast, Ovarian and Pancreatic Cancer Variant Curation Expert Panel, ClinGen
Classification: Uncertain significance for ATM-related cancer predisposition. Last evaluated: 2025-11-11. Review status: reviewed by expert panel. Criteria: ClinGen HBOP ACMG Specifications ATM V1.4.0. Collection method: curation. Allele origin: germline. Inheritance: Autosomal dominant inheritance.
Comment: The c.8599G>C variant in ATM is a missense variant predicted to cause substitution of glycine by arginine at amino acid 2867 (p.Gly2867Arg). This variant has been detected in at least one individual with Ataxia-Telangiectasia (PMID: 8698354, 9887333). The highest population minor allele frequency in gnomAD v4.1.0 is 0.00000085 in the European (non-Finnish) population which is lower than the HBOP VCEP threshold (≤0.00001) for PM2_Supporting, meeting this criterion. This variant was non-functional in multiple ATM-specific protein assays (PMID: 11805335). The computational predictor REVEL gives a score of 0.925, which is above the threshold of 0.7333, evidence that correlates with impact to ATM function. In summary, this variant meets the criteria to be classified as a variant of uncertain significance for autosomal dominant ATM-related cancer predisposition and autosomal recessive Ataxia-Telangiectasia based on the ACMG/AMP criteria applied as specified by the HBOP VCEP. (PM3_Supporting, PM2_Supporting, PS3_Moderate, PP3)

Myriad Genetics, Inc.
Classification: Likely pathogenic for Familial cancer of breast. Last evaluated: 2026-07-27. Review status: criteria provided, single submitter. Criteria: Myriad Autosomal Dominant, Autosomal Recessive and X-Linked Classification Criteria (2023). Collection method: clinical testing. Allele origin: unknown. Not counted in ClinVar's aggregate classification.
Comment: This variant is considered likely pathogenic. Functional studies indicate this variant impacts protein function [PMID: 40580951, 11805335]. This variant is expected to disrupt protein structure [Myriad internal data]. This variant has been reported in an individual with clinical features of gene-specific disease [PMID: 9887333].

Center for Genomic Medicine, Rigshospitalet, Copenhagen University Hospital
Classification: Uncertain significance. Last evaluated: 2025-12-29. Review status: criteria provided, single submitter. Criteria: ACMG Guidelines, 2015. Collection method: clinical testing. Allele origin: germline. Not counted in ClinVar's aggregate classification.
Comment: Classification criteria: PS3_moderate, PM2_supporting, PM3_supporting, PP3

Department of Clinical Genetics, Copenhagen University Hospital, Rigshospitalet
Classification: Uncertain significance for Familial cancer of breast; Ataxia-telangiectasia syndrome. Last evaluated: 2025-12-10. Review status: criteria provided, single submitter. Criteria: ACMG Guidelines, 2015. Collection method: clinical testing. Allele origin: germline. Not counted in ClinVar's aggregate classification.
Comment: The following ACMG criteria has been used: PM2_SUP (reported once in gnomAD v.4.1 (Frequency ≤.001% in gnomAD v4 dataset); PP3 (Revel score > 0.7333 (Score 0.925)). Functional studies have shown that this variants affects ATM function (PMID:11805335; PMID: 40580951) (PS3_MOD). The variant has been reported in heterozygous form in an individual with classical ataxia-telangiectasia without a second pathogenic ATM variant identified (PMID: 9887333) (PM3_SUP). Based on this the variant is classified as a variant of uncertain significance

Ambry Genetics
Classification: Likely pathogenic for Hereditary cancer-predisposing syndrome. Last evaluated: 2025-09-30. Review status: criteria provided, single submitter. Criteria: Ambry Variant Classification Scheme 2023. Collection method: clinical testing. Allele origin: germline. Not counted in ClinVar's aggregate classification.
Comment: The p.G2867R variant (also known as c.8599G>C), located in coding exon 58 of the ATM gene, results from a G to C substitution at nucleotide position 8599. The glycine at codon 2867 is replaced by arginine, an amino acid with dissimilar properties. This alteration has been reported in the heterozygous state in an individual with classical ataxia-telangiectasia, who did not have a second ATM alteration identified (Sandoval N et al. Hum Mol Genet, 1999 Jan;8:69-79). Functional studies have indicated that this alteration disrupts ATM kinase activity and increases radiosensitivity (Scott SP et al. Proc Natl Acad Sci U S A, 2002 Jan;99:925-30). In an assay testing ATM function, this variant showed a functionally abnormal result (Lee KS et al. Cell, 2025 Sep;188:5081-5099.e27). Based on internal structural analysis, this variant is anticipated to result in a decrease in structural stability (Bareti D et al. Sci Adv, 2017 May;3:e1700933). This variant is considered to be rare based on population cohorts in the Genome Aggregation Database (gnomAD). This amino acid position is highly conserved in available vertebrate species. In addition, this alteration is predicted to be deleterious by in silico analysis. Based on the majority of available evidence to date, this variant is likely to be pathogenic.

Labcorp Genetics (formerly Invitae), Labcorp
Classification: Uncertain significance for Ataxia-telangiectasia syndrome. Last evaluated: 2024-08-14. Review status: criteria provided, single submitter. Criteria: Invitae Variant Classification Sherloc (09022015). Collection method: clinical testing. Allele origin: germline. Not counted in ClinVar's aggregate classification.
Comment: This sequence change replaces glycine, which is neutral and non-polar, with arginine, which is basic and polar, at codon 2867 of the ATM protein (p.Gly2867Arg). This variant is not present in population databases (gnomAD no frequency). This missense change has been observed in individual(s) with clinical features of ataxia-telangiectasia (PMID: 8698354). ClinVar contains an entry for this variant (Variation ID: 1407049). An algorithm developed to predict the effect of missense changes on protein structure and function (PolyPhen-2) suggests that this variant is likely to be disruptive. Experimental studies have shown that this missense change affects ATM function (PMID: 11805335, 15279808). In summary, the available evidence is currently insufficient to determine the role of this variant in disease. Therefore, it has been classified as a Variant of Uncertain Significance.

GeneDx
Classification: Uncertain significance. Last evaluated: 2022-12-01. Review status: criteria provided, single submitter. Criteria: GeneDx Variant Classification Process June 2021. Collection method: clinical testing. Allele origin: germline. Affected: yes. Not counted in ClinVar's aggregate classification.
Comment: Not observed at significant frequency in large population cohorts (gnomAD); In silico analysis supports that this missense variant has a deleterious effect on protein structure/function; Observed in the heterozygous state in an individual with ataxia telangiectasia (Baumer et al., 1996; Sandoval et al., 1999); Published functional studies demonstrate a damaging effect: failure to elicit ATM kinase activity and enhanced radiosensitivity (Scott et al., 2002); This variant is associated with the following publications: (PMID: 15279808, 23532176, 34771661, 9259193, 9887333, 22529920, 11805335, 8698354)

Literature cited by the submitters: PubMed 40580951 (cited by 3 submitters); PubMed 11805335 (cited by 5 submitters); PubMed 9887333 (cited by 4 submitters); PubMed 28508083 (cited by Ambry Genetics); PubMed 8698354 (cited by Ambry Genetics and Labcorp Genetics (formerly Invitae), Labcorp); PubMed 15279808 (cited by Labcorp Genetics (formerly Invitae), Labcorp).